The following is an entry in ClinVar:

NM_020529.3(NFKBIA):c.*195C>T

Gene: NFKBIA (NFKB inhibitor alpha; minus strand). Cytogenetic location: 14q13.2.
Variant type: single nucleotide variant.
Coding change: c.*195C>T on transcript NM_020529.3 (MANE Select); 195 bases downstream of the stop codon, C replaced by T.
Molecular consequence: 3 prime UTR variant.
Genome position (GRCh38, 1-based): chr14:35,401,818, G>A on the plus strand (C>T on the coding strand, the complement: NFKBIA is on the minus strand). VCF-style: chr14-35401818-G-A. GRCh37 (hg19) VCF-style: chr14-35871024-G-A.
Identifiers: ClinVar variation 313103 (VCV000313103.5), dbSNP rs182929073, ClinGen allele CA10634810.

ClinVar aggregate classification (germline): Benign (1 of 4 stars; one submission).

Conditions:
Ectodermal dysplasia and immunodeficiency 2. Identifiers: Orphanet 238468, Orphanet 98813, MedGen C2677481, MONDO:0012806, OMIM 612132.

Allele frequency attached by ClinVar (database versions not stated): gnomAD 0.00012 and 0.00021; TOPMed 0.00014; gnomAD exomes 0.00053; 1000 Genomes Project 0.00080; 1000 Genomes Project 30x 0.00094.
gnomAD v4.1: 274 of 623,760 alleles (0.044%); highest among the groups gnomAD compares: South Asian, 0.34%; 1 homozygote.

Submission:

Illumina Laboratory Services, Illumina
Classification: Benign for Ectodermal dysplasia and immunodeficiency 2. Last evaluated: 2018-01-13. Review status: criteria provided, single submitter. Criteria: ICSL Variant Classification Criteria 13 December 2019. Collection method: clinical testing. Allele origin: germline.
Comment: This variant was observed in the ICSL laboratory as part of a predisposition screen in an ostensibly healthy population. It had not been previously curated by ICSL or reported in the Human Gene Mutation Database (HGMD: prior to June 1st, 2018), and was therefore a candidate for classification through an automated scoring system. Utilizing variant allele frequency, disease prevalence and penetrance estimates, and inheritance mode, an automated score was calculated to assess if this variant is too frequent to cause the disease. Based on the score and internal cut-off values, a variant classified as benign is not then subjected to further curation. The score for this variant resulted in a classification of benign for this disease.